The following is an entry in ClinVar:

ClinVar aggregate classification (germline): Uncertain significance (1 of 4 stars; one submission).

Allele frequency attached by ClinVar (database versions not stated): gnomAD exomes below 0.00001.
gnomAD v4.1: 1 of 1,613,062 alleles (0.000062%); highest among the groups gnomAD compares: Non-Finnish European, 0.000085%; no homozygotes.

Submission:

Greenwood Genetic Center Diagnostic Laboratories, Greenwood Genetic Center
Classification: Uncertain significance. Last evaluated: 2023-05-10. Review status: criteria provided, single submitter. Criteria: ACMG Guidelines, 2015. Collection method: clinical testing. Allele origin: germline. Affected: yes.
Comment: PM2, BP4

NM_001330078.2(NRXN1):c.1159-3T>C

Gene: NRXN1 (neurexin 1; minus strand). Cytogenetic location: 2p16.3.
Variant type: single nucleotide variant.
Coding change: c.1159-3T>C on transcript NM_001330078.2 (MANE Select); 3 bases into the intron before coding-DNA position 1159, T replaced by C.
Molecular consequence: intron variant.
Genome position (GRCh38, 1-based): chr2:50,620,186, A>G on the plus strand (T>C on the coding strand, the complement: NRXN1 is on the minus strand). VCF-style: chr2-50620186-A-G. GRCh37 (hg19) VCF-style: chr2-50847324-A-G.
Other names: c.1075-3T>C (NM_001330096.2, NM_001330087.2); c.1120-3T>C (NM_001330083.2, NM_001330084.2); c.1105-3T>C (NM_001330088.2); c.1156-3T>C (NM_001330093.2); c.1147-3T>C (NM_001330094.2); c.1135-3T>C (NM_001330095.2, NM_001330082.2, NM_001330077.2); c.1159-3T>C (NM_001330085.2, NM_004801.6, NM_001330086.2); c.1279-3T>C (NM_001135659.3).
Identifiers: ClinVar variation 2572205 (VCV002572205.1), dbSNP rs2466815400, ClinGen allele CA2580612951.
Genomic context (GRCh38, chr2:50,620,186, plus strand): 5'-TATAATCTTCTTGCGTGTAGCCCGTTGTGGTAAGAATCCCATCCACTGATATTGTCACCT[A>G]GATAACAAAGCACAGGGAAAGGACACGCTATACTCAGACCTAGATACTGTAATCCTGGGA-3'